The following is an entry in ClinVar:

ClinVar aggregate classification (germline): Uncertain significance (1 of 4 stars; one submission).

Conditions:
CREBBP-related disorder. Also called: CREBBP-related disorders; CREBBP-related condition.

gnomAD v4.1: 1 of 1,613,678 alleles (0.000062%); highest among the groups gnomAD compares: African/African-American, 0.0013%; no homozygotes.

Submission:

PreventionGenetics, part of Exact Sciences
Classification: Uncertain significance for CREBBP-related condition. Last evaluated: 2026-09-25. Review status: criteria provided, single submitter. Criteria: ACMG Guidelines, 2015. Collection method: clinical testing. Allele origin: germline.
Comment: The CREBBP c.6841G>T variant is predicted to result in the amino acid substitution p.Ala2281Ser. To our knowledge, this variant has not been reported in the literature or in a large population database (gnomAD), indicating this variant is rare. At this time, the clinical significance of this variant is uncertain due to the absence of conclusive functional and genetic evidence.

NM_004380.3(CREBBP):c.6841G>T (p.Ala2281Ser)

Gene: CREBBP (CREB binding lysine acetyltransferase; minus strand). Cytogenetic location: 16p13.3.
Variant type: single nucleotide variant.
Coding change: c.6841G>T on transcript NM_004380.3 (MANE Select); coding-DNA position 6841, G replaced by T.
Protein change: p.Ala2281Ser; replaces alanine 2281 with serine.
Molecular consequence: missense variant.
Genome position (GRCh38, 1-based): chr16:3,728,206, C>A on the plus strand (G>T on the coding strand, the complement: CREBBP is on the minus strand). VCF-style: chr16-3728206-C-A. GRCh37 (hg19) VCF-style: chr16-3778207-C-A.
Other names: c.6727G>T, p.Ala2243Ser (NM_001079846.1); short protein forms A2243S, A2281S.
Identifiers: ClinVar variation 4984169 (VCV004984169.1).